The following is an entry in ClinVar:

ClinVar aggregate classification (germline): Conflicting classifications of pathogenicity. Review status: criteria provided, conflicting classifications (1 of 4 stars). 2 submissions from 2 submitters: Uncertain significance (1); Likely benign (1). Last evaluated 2025-08-26.

Conditions:
Inborn genetic diseases. Identifiers: MedGen C0950123, MeSH D030342.

Allele frequency attached by ClinVar (database versions not stated): gnomAD 0.00001; gnomAD exomes 0.00001; TOPMed 0.00001; ExAC 0.00002; ESP Exome Variant Server 0.00008.
gnomAD v4.1: 16 of 1,614,106 alleles (0.00099%); highest among the groups gnomAD compares: Admixed American, 0.0083%; no homozygotes.

Submissions (2):

Ambry Genetics
Classification: Uncertain significance for Inborn genetic diseases. Last evaluated: 2025-08-26. Review status: criteria provided, single submitter. Criteria: Ambry Variant Classification Scheme 2023. Collection method: clinical testing. Allele origin: germline.

CeGaT Center for Human Genetics Tuebingen
Classification: Likely benign. Last evaluated: 2022-10-01. Review status: criteria provided, single submitter. Criteria: CeGaT Center For Human Genetics Tuebingen Variant Classification Criteria Version 2. Collection method: clinical testing. Allele origin: germline. Affected: yes. Observed: 1 variant allele.
Comment: CUX1: BP4

NM_181552.4(CUX1):c.1633G>A (p.Val545Ile)

Gene: CUX1 (cut like homeobox 1; plus strand). Cytogenetic location: 7q22.1.
Variant type: single nucleotide variant.
Coding change: c.1633G>A on transcript NM_181552.4 (MANE Select); coding-DNA position 1633, G replaced by A.
Protein change: p.Val545Ile; replaces valine 545 with isoleucine.
Molecular consequence: missense variant. On other transcripts: intron variant (5).
Genome position (GRCh38, 1-based): chr7:102,197,044, G>A. VCF-style: chr7-102197044-G-A. GRCh37 (hg19) VCF-style: chr7-101840324-G-A.
Other names: c.1666G>A (NM_001202543.1); c.1666G>A, p.Val556Ile (NM_001202543.2); c.1255+1441G>A (NM_001913.5); c.1249+1441G>A (NM_181500.4); c.1117+1441G>A (NM_001202545.3); c.1207+1441G>A (NM_001202544.3); c.1138+1441G>A (NM_001202546.3); short protein forms V545I, V556I.
Identifiers: ClinVar variation 2657863 (VCV002657863.25), dbSNP rs376833286, ClinGen allele CA4410876.